The following is an entry in ClinVar:

ClinVar aggregate classification (germline): Uncertain significance (1 of 4 stars; one submission).

Allele frequency attached by ClinVar (database versions not stated): TOPMed below 0.00001.

Submission:

Labcorp Genetics (formerly Invitae), Labcorp
Classification: Uncertain significance. Last evaluated: 2021-06-15. Review status: criteria provided, single submitter. Criteria: Invitae Variant Classification Sherloc (09022015). Collection method: clinical testing. Allele origin: germline.
Comment: This sequence change replaces glycine with valine at codon 503 of the COL4A4 protein (p.Gly503Val). The glycine residue is highly conserved and there is a moderate physicochemical difference between glycine and valine. This variant is not present in population databases (ExAC no frequency). This variant has not been reported in the literature in individuals with COL4A4-related conditions. Advanced modeling of protein sequence and biophysical properties (such as structural, functional, and spatial information, amino acid conservation, physicochemical variation, residue mobility, and thermodynamic stability) performed at Invitae indicates that this missense variant is expected to disrupt COL4A4 protein function. In summary, the available evidence is currently insufficient to determine the role of this variant in disease. Therefore, it has been classified as a Variant of Uncertain Significance.

NM_000092.5(COL4A4):c.1508G>T (p.Gly503Val)

Gene: COL4A4 (collagen type IV alpha 4 chain; minus strand). Cytogenetic location: 2q36.3.
Variant type: single nucleotide variant.
Coding change: c.1508G>T on transcript NM_000092.5 (MANE Select); coding-DNA position 1508, G replaced by T.
Protein change: p.Gly503Val; replaces glycine 503 with valine.
Molecular consequence: missense variant.
Genome position (GRCh38, 1-based): chr2:227,088,768, C>A on the plus strand (G>T on the coding strand, the complement: COL4A4 is on the minus strand). VCF-style: chr2-227088768-C-A. GRCh37 (hg19) VCF-style: chr2-227953484-C-A.
Other names: short protein forms G503V.
Identifiers: ClinVar variation 1444358 (VCV001444358.8), dbSNP rs2059737659, ClinGen allele CA350850010.